The following is an entry in ClinVar:

NM_001605.3(AARS1):c.1222+4G>A

Gene: AARS1 (alanyl-tRNA synthetase 1; minus strand). Cytogenetic location: 16q22.1.
Variant type: single nucleotide variant.
Coding change: c.1222+4G>A on transcript NM_001605.3 (MANE Select); 4 bases into the intron after coding-DNA position 1222, G replaced by A.
Molecular consequence: intron variant.
Genome position (GRCh38, 1-based): chr16:70,267,655, C>T on the plus strand (G>A on the coding strand, the complement: AARS1 is on the minus strand). VCF-style: chr16-70267655-C-T. GRCh37 (hg19) VCF-style: chr16-70301558-C-T.
Identifiers: ClinVar variation 3336243 (VCV003336243.1).

ClinVar aggregate classification (germline): Uncertain significance (1 of 4 stars; one submission).

gnomAD v4.1: 1 of 1,614,156 alleles (0.000062%); highest among the groups gnomAD compares: Non-Finnish European, 0.000085%; no homozygotes.

Submission:

Women's Health and Genetics/Laboratory Corporation of America, LabCorp
Classification: Uncertain significance. Last evaluated: 2024-05-29. Review status: criteria provided, single submitter. Criteria: LabCorp Variant Classification Summary - May 2015. Collection method: clinical testing. Allele origin: germline.
Comment: Variant summary: AARS1 c.1222+4G>A alters a nucleotide located close to a canonical splice site and therefore could affect mRNA splicing, leading to a significantly altered protein sequence. Consensus agreement among computation tools predict no significant impact on normal splicing. However, these predictions have yet to be confirmed by functional studies. The variant was absent in 282790 control chromosomes. The available data on variant occurrences in the general population are insufficient to allow any conclusion about variant significance. To our knowledge, no occurrence of c.1222+4G>A in individuals affected with Developmental And Epileptic Encephalopathy, 29 and no experimental evidence demonstrating its impact on protein function have been reported. No submitters have cited clinical-significance assessments for this variant to ClinVar. Based on the evidence outlined above, the variant was classified as uncertain significance.